The following is an entry in ClinVar:

ClinVar aggregate classification (germline): Pathogenic (1 of 4 stars; one submission).

Conditions:
TBX3-related disorder. Also called: TBX3-related condition.

Submission:

PreventionGenetics, part of Exact Sciences
Classification: Pathogenic for TBX3-related condition. Last evaluated: 2022-11-30. Review status: criteria provided, single submitter. Criteria: ACMG Guidelines, 2015. Collection method: clinical testing. Allele origin: germline.
Comment: The TBX3 c.1201G>T variant is predicted to result in premature protein termination (p.Glu401*). To our knowledge, this variant has not been reported in the literature or in a large population database, indicating this variant is rare. Nonsense variants in TBX3 are expected to be pathogenic. This variant is interpreted as pathogenic.

NM_005996.4(TBX3):c.1141G>T (p.Glu381Ter)

Gene: TBX3 (T-box transcription factor 3; minus strand). Cytogenetic location: 12q24.21.
Variant type: single nucleotide variant.
Coding change: c.1141G>T on transcript NM_005996.4 (MANE Select); coding-DNA position 1141, G replaced by T.
Protein change: p.Glu381Ter; replaces glutamic acid 381 with a stop codon.
Molecular consequence: nonsense.
Genome position (GRCh38, 1-based): chr12:114,674,734, C>A on the plus strand (G>T on the coding strand, the complement: TBX3 is on the minus strand). VCF-style: chr12-114674734-C-A. GRCh37 (hg19) VCF-style: chr12-115112539-C-A.
Other names: c.1201G>T, p.Glu401Ter (NM_016569.4); short protein forms E381*, E401*.
Identifiers: ClinVar variation 2635163 (VCV002635163.1), dbSNP rs1457604010, ClinGen allele CA386869529.
Genomic context (GRCh38, chr12:114,674,734, plus strand): 5'-GCTCAGCAGCGAAAAGGTGAGCCTTGACCGCGGGGCTGCCCTTGTCACGGCAGGGCTCCT[C>A]CGACGTGGTGGTGGAGATCTTGGCCGCGTCGCAGGCCTCGGGGCCATGCTCCTCTTTGCT-3'